The following is an entry in ClinVar:

NM_021729.6(VPS11):c.557A>C (p.Asn186Thr)

Gene: VPS11 (VPS11 core subunit of CORVET and HOPS complexes; plus strand). Cytogenetic location: 11q23.3.
Variant type: single nucleotide variant.
Coding change: c.557A>C on transcript NM_021729.6 (MANE Select); coding-DNA position 557, A replaced by C.
Protein change: p.Asn186Thr; replaces asparagine 186 with threonine.
Molecular consequence: missense variant. On other transcripts: non-coding transcript variant (8).
Genome position (GRCh38, 1-based): chr11:119,070,318, A>C. VCF-style: chr11-119070318-A-C. GRCh37 (hg19) VCF-style: chr11-118941028-A-C.
Other names: c.527A>C, p.Asn176Thr (NM_001290185.2); c.569A>C, p.Asn190Thr (NM_001378218.1); c.557A>C, p.Asn186Thr (NM_001378219.1, NM_001378220.1); c.539A>C, p.Asn180Thr (NM_001378221.1); short protein forms N176T, N190T, N180T, N186T.
Identifiers: ClinVar variation 2067014 (VCV002067014.1), dbSNP rs986999947, ClinGen allele CA229628306.

ClinVar aggregate classification (germline): Uncertain significance (1 of 4 stars; one submission).

Allele frequency attached by ClinVar (database versions not stated): TOPMed 0.00001.
gnomAD v4.1: 7 of 1,613,248 alleles (0.00043%); highest among the groups gnomAD compares: Admixed American, 0.0017%; no homozygotes.

Submission:

Labcorp Genetics (formerly Invitae), Labcorp
Classification: Uncertain significance. Last evaluated: 2022-08-21. Review status: criteria provided, single submitter. Criteria: Invitae Variant Classification Sherloc (09022015). Collection method: clinical testing. Allele origin: germline.
Comment: This sequence change replaces asparagine, which is neutral and polar, with threonine, which is neutral and polar, at codon 186 of the VPS11 protein (p.Asn186Thr). This variant is present in population databases (no rsID available, gnomAD 0.0009%). This variant has not been reported in the literature in individuals affected with VPS11-related conditions. Experimental studies and prediction algorithms are not available or were not evaluated, and the functional significance of this variant is currently unknown. In summary, the available evidence is currently insufficient to determine the role of this variant in disease. Therefore, it has been classified as a Variant of Uncertain Significance.